The following is an entry in ClinVar:

NM_000093.5(COL5A1):c.754C>T (p.Pro252Ser)

Gene: COL5A1 (collagen type V alpha 1 chain; plus strand). Cytogenetic location: 9q34.3.
Variant type: single nucleotide variant.
Coding change: c.754C>T on transcript NM_000093.5 (MANE Select); coding-DNA position 754, C replaced by T.
Protein change: p.Pro252Ser; replaces proline 252 with serine.
Molecular consequence: missense variant.
Genome position (GRCh38, 1-based): chr9:134,727,365, C>T. VCF-style: chr9-134727365-C-T. GRCh37 (hg19) VCF-style: chr9-137619211-C-T.
Other names: p.P252S:CCA>TCA; c.754C>T, p.Pro252Ser (NM_001278074.1); short protein forms P252S.
Identifiers: ClinVar variation 213017 (VCV000213017.38), dbSNP rs369781295, ClinGen allele CA324213.

ClinVar aggregate classification (germline): Conflicting classifications of pathogenicity. Review status: criteria provided, conflicting classifications (1 of 4 stars). 5 submissions from 5 submitters: Uncertain significance (4); Benign (1). Last evaluated 2026-07-06.

Conditions:
Ehlers-Danlos syndrome, classic type, 1 (EDSCL1). Also called: EDS I; Ehlers-Danlos Syndrome, Classic Type, COL5A1-Related; EHLERS-DANLOS SYNDROME, GRAVIS TYPE; EHLERS-DANLOS SYNDROME, SEVERE CLASSIC TYPE; Ehlers-Danlos syndrome, type 1. Identifiers: MedGen C0268335, MONDO:0019567, OMIM 130000.
Ehlers-Danlos syndrome, classic type, 2 (EDSCL2). Also called: Ehlers-Danlos syndrome type 2 (formerly); Ehlers-Danlos Syndrome, Classic Type, COL5A2-Related; Ehlers-Danlos syndrome, type 2. Identifiers: Orphanet 287, Orphanet 90318, MedGen C0268336, MONDO:0019568, OMIM 130010.
Familial thoracic aortic aneurysm and aortic dissection (TAAD). Also called: Thoracic aortic aneurysms and dissections. Identifiers: Orphanet 91387, MedGen C4707243, MONDO:0019625.

Allele frequency attached by ClinVar (database versions not stated): gnomAD exomes 0.00003 and 0.00001; ExAC 0.00002; ESP Exome Variant Server 0.00008; gnomAD 0.00007; TOPMed 0.00007.
gnomAD v4.1: 29 of 1,613,976 alleles (0.0018%); highest among the groups gnomAD compares: African/African-American, 0.008%; no homozygotes.

Submissions (5):

Ambry Genetics
Classification: Uncertain significance for Familial thoracic aortic aneurysm and aortic dissection. Last evaluated: 2026-07-06. Review status: criteria provided, single submitter. Criteria: Ambry Variant Classification Scheme 2023. Collection method: clinical testing. Allele origin: germline.

Labcorp Genetics (formerly Invitae), Labcorp
Classification: Benign for Ehlers-Danlos syndrome, classic type, 1. Last evaluated: 2025-12-31. Review status: criteria provided, single submitter. Criteria: Invitae Variant Classification Sherloc (09022015). Collection method: clinical testing. Allele origin: germline.

GeneDx
Classification: Uncertain significance. Last evaluated: 2025-05-15. Review status: criteria provided, single submitter. Criteria: GeneDx Variant Classification Process June 2021. Collection method: clinical testing. Allele origin: germline. Affected: yes.
Comment: Has not been previously published as pathogenic or benign to our knowledge; In silico analysis suggests that this missense variant does not alter protein structure/function; Not located in the triple helical region, where the majority of pathogenic missense variants occur (PMID: 22696272; HGMD); This variant is associated with the following publications: (PMID: 22696272)

Blueprint Genetics
Classification: Uncertain significance. Last evaluated: 2019-09-20. Review status: criteria provided, single submitter. Criteria: ACMG Guidelines, 2015. Collection method: clinical testing. Allele origin: germline.

Centre for Mendelian Genomics, University Medical Centre Ljubljana
Classification: Uncertain significance for Ehlers-Danlos syndrome, classic type, 2. Last evaluated: 2019-07-26. Review status: criteria provided, single submitter. Criteria: ACMG Guidelines, 2015. Collection method: clinical testing. Allele origin: unknown. Affected: yes.
Comment: This variant was classified as: Uncertain significance. The available evidence on this variant's pathogenicity is insufficient or conflicting. The following ACMG criteria were applied in classifying this variant: BS2.